The following is an entry in ClinVar:

NM_001357.5(DHX9):c.674-8_674-7del

Gene: DHX9 (DExH-box helicase 9; plus strand). Cytogenetic location: 1q25.3.
Variant type: Deletion.
Coding change: c.674-8_674-7del on transcript NM_001357.5 (MANE Select); 8 bases into the intron before coding-DNA position 674 through 7 bases into the intron before coding-DNA position 674, 2 bases deleted (CA; older notation c.674-8_674-7delCA).
Molecular consequence: intron variant.
Genome position (GRCh38, 1-based): chr1:182,858,096-182,858,097, CA deleted; deleting any 2 consecutive bases within chr1:182,858,095-182,858,097 gives the same sequence; the c. name uses the placement nearest the transcript's 3' end. VCF-style (leftmost placement, unchanged base first): chr1-182858094-TAC-T. GRCh37 (hg19) VCF-style: chr1-182827229-TAC-T.
Identifiers: ClinVar variation 4883975 (VCV004883975.2).

ClinVar aggregate classification (germline): Uncertain significance (1 of 4 stars; one submission).

Conditions:
Intellectual developmental disorder, autosomal dominant 75. Identifiers: MedGen C5975482, MONDO:0975838, OMIM 620988.

Submission:

Dasa
Classification: Uncertain significance for Intellectual developmental disorder, autosomal dominant 75. Last evaluated: 2025-12-28. Review status: criteria provided, single submitter. Criteria: DASA Assertion Criteria. Collection method: clinical testing. Allele origin: germline.
Comment: NM_001357.5(DHX9):c.674-8_674-7del is a splice-region variant. This variant is rare in population databases. The currently available literature and clinical evidence are not sufficient to establish a definitive association between this variant and the reported condition. Therefore, this variant is classified as a variant of uncertain significance.